The following is an entry in ClinVar:

NM_000540.3(RYR1):c.9561G>A (p.Arg3187=)

Gene: RYR1 (ryanodine receptor 1; plus strand). Cytogenetic location: 19q13.2.
Variant type: single nucleotide variant.
Coding change: c.9561G>A on transcript NM_000540.3 (MANE Select); coding-DNA position 9561, G replaced by A.
Protein change: p.Arg3187=; no amino-acid change (arginine 3187 retained).
Molecular consequence: synonymous variant.
Genome position (GRCh38, 1-based): chr19:38,516,093, G>A. VCF-style: chr19-38516093-G-A. GRCh37 (hg19) VCF-style: chr19-39006733-G-A.
Other names: c.9561G>A, p.Arg3187= (NM_001042723.2).
Identifiers: ClinVar variation 3069526 (VCV003069526.1), dbSNP rs1425584920, ClinGen allele CA507246887.

ClinVar aggregate classification (germline): Likely benign (1 of 4 stars; one submission).

Conditions:
Malignant hyperthermia, susceptibility to, 1 (MHS1). Also called: RYR1-Related Malignant Hyperthermia Susceptibility; Anesthesia related hyperthermia; Malignant hyperpyrexia; Fulminating hyperpyrexia; Pharmacogenic myopathy; Malignant hyperthermia suceptibility 1. Identifiers: Orphanet 423, MedGen C2930980, MONDO:0007783, OMIM 145600.

Allele frequency attached by ClinVar (database versions not stated): TOPMed below 0.00001.
gnomAD v4.1: 1 of 1,548,636 alleles (0.000065%); highest among the groups gnomAD compares: Non-Finnish European, 0.000087%; no homozygotes.

Submission:

All of Us Research Program, National Institutes of Health
Classification: Likely benign for Malignant hyperthermia, susceptibility to, 1. Last evaluated: 2023-02-24. Review status: criteria provided, single submitter. Criteria: ACMG Guidelines, 2015. Collection method: clinical testing. Allele origin: germline. Inheritance: Autosomal dominant inheritance. Observed: 1 variant allele, 1 heterozygote.
Comment: This study involves interpretation of variants in research participants for the purpose of population health screening. Participant phenotype was not available at the time of variant classification. Additional details can be found in publication PMID: 35346344, PMCID: PMC8962531